The following is an entry in ClinVar:

ClinVar aggregate classification (germline): Uncertain significance (1 of 4 stars; one submission).

Conditions:
Congenital disorder of glycosylation type Ir (CDG1R). Also called: DDOST-congenital disorder of glycosylation. Identifiers: Orphanet 300536, MedGen C3281084, MONDO:0013789, OMIM 614507.

Allele frequency attached by ClinVar (database versions not stated): ExAC 0.00002.
gnomAD v4.1: 7 of 1,613,890 alleles (0.00043%); highest among the groups gnomAD compares: Admixed American, 0.012%; no homozygotes.

Submission:

Labcorp Genetics (formerly Invitae), Labcorp
Classification: Uncertain significance for Congenital disorder of glycosylation type Ir. Last evaluated: 2024-04-19. Review status: criteria provided, single submitter. Criteria: Invitae Variant Classification Sherloc (09022015). Collection method: clinical testing. Allele origin: germline.
Comment: This sequence change replaces cysteine, which is neutral and slightly polar, with glycine, which is neutral and non-polar, at codon 145 of the DDOST protein (p.Cys145Gly). This variant is present in population databases (rs768942021, gnomAD 0.01%). This variant has not been reported in the literature in individuals affected with DDOST-related conditions. ClinVar contains an entry for this variant (Variation ID: 1947697). Advanced modeling of protein sequence and biophysical properties (such as structural, functional, and spatial information, amino acid conservation, physicochemical variation, residue mobility, and thermodynamic stability) performed at Invitae indicates that this missense variant is expected to disrupt DDOST protein function with a positive predictive value of 80%. In summary, the available evidence is currently insufficient to determine the role of this variant in disease. Therefore, it has been classified as a Variant of Uncertain Significance.

NM_005216.5(DDOST):c.382T>G (p.Cys128Gly)

Gene: DDOST (dolichyl-diphosphooligosaccharide--protein glycosyltransferase non-catalytic subunit; minus strand). Cytogenetic location: 1p36.12.
Variant type: single nucleotide variant.
Coding change: c.382T>G on transcript NM_005216.5 (MANE Select); coding-DNA position 382, T replaced by G.
Protein change: p.Cys128Gly; replaces cysteine 128 with glycine.
Molecular consequence: missense variant.
Genome position (GRCh38, 1-based): chr1:20,655,750, A>C on the plus strand (T>G on the coding strand, the complement: DDOST is on the minus strand). VCF-style: chr1-20655750-A-C. GRCh37 (hg19) VCF-style: chr1-20982243-A-C.
Other names: short protein forms C128G.
Identifiers: ClinVar variation 1947697 (VCV001947697.5), dbSNP rs768942021, ClinGen allele CA661251.